The following is an entry in ClinVar:

ClinVar aggregate classification (germline): Likely benign (1 of 4 stars; one submission).

Allele frequency attached by ClinVar (database versions not stated): gnomAD exomes 0.00002; ExAC 0.00008; gnomAD 0.00011; ESP Exome Variant Server 0.00017; TOPMed 0.00018.
gnomAD v4.1: 107 of 1,612,696 alleles (0.0066%); highest among the groups gnomAD compares: East Asian, 0.056%; 1 homozygote.

Submission:

CeGaT Center for Human Genetics Tuebingen
Classification: Likely benign. Last evaluated: 2024-03-01. Review status: criteria provided, single submitter. Criteria: CeGaT Center For Human Genetics Tuebingen Variant Classification Criteria Version 2. Collection method: clinical testing. Allele origin: germline. Affected: yes. Observed: 1 variant allele.
Comment: FRMD3: BP4, BP7

NM_174938.6(FRMD3):c.516C>T (p.Tyr172=)

Gene: FRMD3 (FERM domain containing 3; minus strand). Cytogenetic location: 9q21.32.
Variant type: single nucleotide variant.
Coding change: c.516C>T on transcript NM_174938.6 (MANE Select); coding-DNA position 516, C replaced by T.
Protein change: p.Tyr172=; no amino-acid change (tyrosine 172 retained).
Molecular consequence: synonymous variant.
Genome position (GRCh38, 1-based): chr9:83,335,596, G>A on the plus strand (C>T on the coding strand, the complement: FRMD3 is on the minus strand). VCF-style: chr9-83335596-G-A. GRCh37 (hg19) VCF-style: chr9-85950511-G-A.
Other names: c.516C>T, p.Tyr172= (NM_001244959.2); c.384C>T, p.Tyr128= (NM_001244960.2).
Identifiers: ClinVar variation 3067459 (VCV003067459.21), dbSNP rs373819528, ClinGen allele CA5101197.